The following is an entry in ClinVar:

NM_016333.4(SRRM2):c.338G>T (p.Gly113Val)

Genes: SRRM2 (serine/arginine repetitive matrix 2; plus strand), LOC126862261 (BRD4-independent group 4 enhancer GRCh37_chr16:2807529-2808728; plus strand). Cytogenetic location: 16p13.3.
Variant type: single nucleotide variant.
Coding change: c.338G>T on transcript NM_016333.4 (MANE Select); coding-DNA position 338, G replaced by T.
Protein change: p.Gly113Val; replaces glycine 113 with valine.
Molecular consequence: missense variant.
Genome position (GRCh38, 1-based): chr16:2,757,567, G>T. VCF-style: chr16-2757567-G-T. GRCh37 (hg19) VCF-style: chr16-2807568-G-T.
Other names: short protein forms G113V.
Identifiers: ClinVar variation 5008585 (VCV005008585.1).

ClinVar aggregate classification (germline): Uncertain significance (1 of 4 stars; one submission).

gnomAD v4.1: 2 of 1,613,688 alleles (0.00012%); highest among the groups gnomAD compares: Non-Finnish European, 0.00017%; no homozygotes.

Submission:

GeneDx
Classification: Uncertain significance. Last evaluated: 2026-03-04. Review status: criteria provided, single submitter. Criteria: GeneDx Variant Classification Process June 2021. Collection method: clinical testing. Allele origin: germline.
Comment: Not observed at significant frequency in large population cohorts (gnomAD); In silico analysis suggests that this missense variant does not alter protein structure/function; Has not been previously published as pathogenic or benign to our knowledge